The following is an entry in ClinVar:

ClinVar aggregate classification (germline): Pathogenic (1 of 4 stars; one submission).

Submission:

GeneDx
Classification: Pathogenic. Last evaluated: 2015-05-21. Review status: criteria provided, single submitter. Criteria: GeneDx Variant Classification (06012015). Collection method: clinical testing. Allele origin: germline. Affected: yes.
Comment: The c.1952delG deletion in the AR gene is predicted to cause loss of normal protein functioneither through protein truncation or nonsense-mediated mRNA decay. Although this variant has not beenpreviously reported to our knowledge, we interpret it as pathogenic.

NM_000044.6(AR):c.1952del (p.Ser651fs)

Gene: AR (androgen receptor; plus strand). Cytogenetic location: Xq12.
Variant type: Deletion.
Coding change: c.1952del on transcript NM_000044.6 (MANE Select); coding-DNA position 1952, one base deleted (G; older notation c.1952delG).
Protein change: p.Ser651fs; shifts the reading frame from serine 651.
Molecular consequence: frameshift variant.
Genome position (GRCh38, 1-based): chrX:67,711,468, G deleted. VCF-style (leftmost placement, unchanged base first): chrX-67711467-AG-A. GRCh37 (hg19) VCF-style: chrX-66931309-AG-A.
Other names: c.356del, p.Ser119fs (NM_001011645.3); short protein forms S651fs, S119fs.
Identifiers: ClinVar variation 419102 (VCV000419102.2), dbSNP rs1064793645, ClinGen allele CA16621464.